The following is an entry in ClinVar:

ClinVar aggregate classification (germline): Uncertain significance (0 of 4 stars; one submission).

Conditions:
SMARCA2-related disorder. Also called: SMARCA2-related condition.

Submission:

PreventionGenetics, part of Exact Sciences
Classification: Uncertain significance for SMARCA2-related condition. Last evaluated: 2024-09-28. Review status: no assertion criteria provided. Collection method: clinical testing. Allele origin: germline.
Comment: The SMARCA2 c.590C>G variant is predicted to result in the amino acid substitution p.Pro197Arg. To our knowledge, this variant has not been reported in the literature or in a large population database, indicating this variant is rare. At this time, the clinical significance of this variant is uncertain due to the absence of conclusive functional and genetic evidence.

NM_003070.5(SMARCA2):c.590C>G (p.Pro197Arg)

Gene: SMARCA2 (SWI/SNF related BAF chromatin remodeling complex subunit ATPase 2; plus strand). Cytogenetic location: 9p24.3.
Variant type: single nucleotide variant.
Coding change: c.590C>G on transcript NM_003070.5 (MANE Select); coding-DNA position 590, C replaced by G.
Protein change: p.Pro197Arg; replaces proline 197 with arginine.
Molecular consequence: missense variant.
Genome position (GRCh38, 1-based): chr9:2,039,700, C>G. VCF-style: chr9-2039700-C-G. GRCh37 (hg19) VCF-style: chr9-2039700-C-G.
Other names: c.590C>G, p.Pro197Arg (NM_001289396.2, NM_001289397.2, NM_139045.4); short protein forms P197R.
Identifiers: ClinVar variation 3346845 (VCV003346845.1).